The following is an entry in ClinVar:

NM_001166108.2(PALLD):c.2254T>C (p.Tyr752His)

Genes: CBR4 (carbonyl reductase 4; minus strand), PALLD (palladin, cytoskeletal associated protein; plus strand). Cytogenetic location: 4q32.3.
Variant type: single nucleotide variant.
Coding change: c.2254T>C on transcript NM_001166108.2 (MANE Select); coding-DNA position 2254, T replaced by C.
Protein change: p.Tyr752His; replaces tyrosine 752 with histidine.
Molecular consequence: missense variant.
Genome position (GRCh38, 1-based): chr4:168,898,496, T>C. VCF-style: chr4-168898496-T-C. GRCh37 (hg19) VCF-style: chr4-169819647-T-C.
Other names: c.1057T>C, p.Tyr353His (NM_001166109.2); c.742T>C, p.Tyr248His (NM_001166110.2); c.82T>C, p.Tyr28His (NM_001367567.1, NM_001367569.1); c.133T>C, p.Tyr45His (NM_001367568.1, NM_001367570.1); c.2203T>C, p.Tyr735His (NM_016081.4); c.742T>C (NM_001166110.1); short protein forms Y752H, Y248H, Y353H, Y28H, Y45H, Y735H.
Identifiers: ClinVar variation 2960067 (VCV002960067.4), dbSNP rs2533730218, ClinGen allele CA358798515.

ClinVar aggregate classification (germline): Uncertain significance. Review status: criteria provided, multiple submitters, no conflicts (2 of 4 stars). 2 submissions from 2 submitters: Uncertain significance (2). Last evaluated 2026-03-19.

Conditions:
Pancreatic adenocarcinoma. Identifiers: MedGen C0281361, MONDO:0006047, HP:0006725.

Submissions (2):

Ambry Genetics
Classification: Uncertain significance. Last evaluated: 2026-03-19. Review status: criteria provided, single submitter. Criteria: Ambry Variant Classification Scheme 2023. Collection method: clinical testing. Allele origin: germline.
Comment: The p.Y248H variant (also known as c.742T>C), located in coding exon 4 of the PALLD gene, results from a T to C substitution at nucleotide position 742. The tyrosine at codon 248 is replaced by histidine, an amino acid with similar properties. This amino acid position is conserved. In addition, this alteration is predicted to be deleterious by in silico analysis. Based on the available evidence, the clinical significance of this variant remains unclear.

Labcorp Genetics (formerly Invitae), Labcorp
Classification: Uncertain significance for Pancreatic adenocarcinoma. Last evaluated: 2023-03-30. Review status: criteria provided, single submitter. Criteria: Invitae Variant Classification Sherloc (09022015). Collection method: clinical testing. Allele origin: germline.
Comment: This sequence change replaces tyrosine, which is neutral and polar, with histidine, which is basic and polar, at codon 248 of the PALLD protein (p.Tyr248His). This variant is not present in population databases (gnomAD no frequency). In summary, the available evidence is currently insufficient to determine the role of this variant in disease. Therefore, it has been classified as a Variant of Uncertain Significance. An algorithm developed to predict the effect of missense changes on protein structure and function (PolyPhen-2) suggests that this variant is likely to be tolerated. This variant has not been reported in the literature in individuals affected with PALLD-related conditions.